The following is an entry in ClinVar:

ClinVar aggregate classification (germline): Uncertain significance (1 of 4 stars; one submission).

Conditions:
Microphthalmia, syndromic 9. Also called: Matthew-Wood syndrome; ANOPHTHALMIA, CLINICAL, WITH MILD FACIAL DYSMORPHISM AND VARIABLE MALFORMATIONS OF THE LUNG, HEART, AND DIAPHRAGM; ANOPHTHALMIA/MICROPHTHALMIA AND PULMONARY HYPOPLASIA; PULMONARY AGENESIS, MICROPHTHALMIA, AND DIAPHRAGMATIC DEFECT; SPEAR SYNDROME. Identifiers: Orphanet 2470, MedGen C1832661, MONDO:0011010, OMIM 601186.

Allele frequency attached by ClinVar (database versions not stated): gnomAD exomes 0.00001; ExAC 0.00005; ESP Exome Variant Server 0.00023.

Submission:

Labcorp Genetics (formerly Invitae), Labcorp
Classification: Uncertain significance for Microphthalmia, syndromic 9. Last evaluated: 2021-12-13. Review status: criteria provided, single submitter. Criteria: Invitae Variant Classification Sherloc (09022015). Collection method: clinical testing. Allele origin: germline.
Comment: In summary, the available evidence is currently insufficient to determine the role of this variant in disease. Therefore, it has been classified as a Variant of Uncertain Significance. Algorithms developed to predict the effect of missense changes on protein structure and function (SIFT, PolyPhen-2, Align-GVGD) all suggest that this variant is likely to be tolerated. This variant has not been reported in the literature in individuals affected with STRA6-related conditions. This variant is present in population databases (rs141451232, gnomAD 0.04%). This sequence change replaces serine, which is neutral and polar, with threonine, which is neutral and polar, at codon 22 of the STRA6 protein (p.Ser22Thr).

NM_022369.4(STRA6):c.65G>C (p.Ser22Thr)

Gene: STRA6 (signaling receptor and transporter of retinol STRA6; minus strand). Cytogenetic location: 15q24.1.
Variant type: single nucleotide variant.
Coding change: c.65G>C on transcript NM_022369.4 (MANE Select); coding-DNA position 65, G replaced by C.
Protein change: p.Ser22Thr; replaces serine 22 with threonine.
Molecular consequence: missense variant.
Genome position (GRCh38, 1-based): chr15:74,202,203, C>G on the plus strand (G>C on the coding strand, the complement: STRA6 is on the minus strand). VCF-style: chr15-74202203-C-G. GRCh37 (hg19) VCF-style: chr15-74494544-C-G.
Other names: c.65G>C, p.Ser22Thr (NM_001142617.2, NM_001142618.2, NM_001142619.2 and 1 more transcripts); c.176G>C, p.Ser59Thr (NM_001199040.2); c.110G>C, p.Ser37Thr (NM_001199041.2); c.182G>C, p.Ser61Thr (NM_001199042.2); short protein forms S22T, S37T, S61T, S59T.
Identifiers: ClinVar variation 2041584 (VCV002041584.3), dbSNP rs141451232, ClinGen allele CA7655130.